The following is an entry in ClinVar:

NM_020433.5(JPH2):c.379+8605C>G

Gene: JPH2 (junctophilin 2; minus strand). Cytogenetic location: 20q13.12.
Variant type: single nucleotide variant.
Coding change: c.379+8605C>G on transcript NM_020433.5 (MANE Select); 8605 bases into the intron after coding-DNA position 379, C replaced by G.
Molecular consequence: intron variant. On other transcripts: 3 prime UTR variant (1).
Genome position (GRCh38, 1-based): chr20:44,177,722, G>C on the plus strand (C>G on the coding strand, the complement: JPH2 is on the minus strand). VCF-style: chr20-44177722-G-C. GRCh37 (hg19) VCF-style: chr20-42806362-G-C.
Other names: c.*240C>G (NM_175913.4).
Identifiers: ClinVar variation 678569 (VCV000678569.3), dbSNP rs6130557, ClinGen allele CA14829361.

ClinVar aggregate classification (germline): Benign. Review status: criteria provided, multiple submitters, no conflicts (2 of 4 stars). 3 submissions from 3 submitters: Benign (3). Last evaluated 2020-02-18.

Allele frequency attached by ClinVar (database versions not stated): gnomAD exomes 0.14105; gnomAD 0.19558 and 0.19687; TOPMed 0.19940; 1000 Genomes Project 30x 0.23251; 1000 Genomes Project 0.23423.
gnomAD v4.1: 201,975 of 1,368,662 alleles (15%); highest among the groups gnomAD compares: African/African-American, 34%; 17,169 homozygotes.

Submissions (3):

Blueprint Genetics
Classification: Benign. Last evaluated: 2020-02-18. Review status: criteria provided, single submitter. Criteria: ACMG Guidelines, 2015. Collection method: clinical testing. Allele origin: germline.

GeneDx
Classification: Benign. Last evaluated: 2018-06-19. Review status: criteria provided, single submitter. Criteria: GeneDx Variant Classification (06012015). Collection method: clinical testing. Allele origin: germline. Affected: yes.
Comment: This variant is considered likely benign or benign based on one or more of the following criteria: it is a conservative change, it occurs at a poorly conserved position in the protein, it is predicted to be benign by multiple in silico algorithms, and/or has population frequency not consistent with disease.

Breakthrough Genomics
Classification: Benign. Review status: criteria provided, single submitter. Criteria: ACMG Guidelines, 2015. Collection method: not provided. Allele origin: germline. Inheritance: Autosomal recessive inheritance. Affected: yes.